The following is an entry in ClinVar:

ClinVar aggregate classification (germline): Uncertain significance (1 of 4 stars; one submission).

Allele frequency attached by ClinVar (database versions not stated): gnomAD exomes below 0.00001.

Submission:

GeneDx
Classification: Uncertain significance. Last evaluated: 2026-08-01. Review status: criteria provided, single submitter. Criteria: GeneDx Variant Classification Process June 2021. Collection method: clinical testing. Allele origin: germline.
Comment: Not observed at significant frequency in large population cohorts (gnomAD); In silico analysis supports that this missense variant has a deleterious effect on protein structure/function; Has not been previously published as pathogenic or benign to our knowledge

NM_003128.3(SPTBN1):c.4138A>G (p.Asn1380Asp)

Gene: SPTBN1 (spectrin beta, non-erythrocytic 1; plus strand). Cytogenetic location: 2p16.2.
Variant type: single nucleotide variant.
Coding change: c.4138A>G on transcript NM_003128.3 (MANE Select); coding-DNA position 4138, A replaced by G.
Protein change: p.Asn1380Asp; replaces asparagine 1380 with aspartic acid.
Molecular consequence: missense variant.
Genome position (GRCh38, 1-based): chr2:54,644,455, A>G. VCF-style: chr2-54644455-A-G. GRCh37 (hg19) VCF-style: chr2-54871592-A-G.
Other names: c.4099A>G, p.Asn1367Asp (NM_178313.3); short protein forms N1367D, N1380D.
Identifiers: ClinVar variation 2430551 (VCV002430551.2), dbSNP rs2549553663, ClinGen allele CA346899358.